The following is an entry in ClinVar:

ClinVar aggregate classification (germline): Uncertain significance (1 of 4 stars; one submission).

Conditions:
EGFR-related lung cancer (EGFR). Identifiers: MedGen CN130014.

Submission:

Labcorp Genetics (formerly Invitae), Labcorp
Classification: Uncertain significance for EGFR-related lung cancer. Last evaluated: 2024-06-25. Review status: criteria provided, single submitter. Criteria: Invitae Variant Classification Sherloc (09022015). Collection method: clinical testing. Allele origin: germline.
Comment: This sequence change replaces proline, which is neutral and non-polar, with serine, which is neutral and polar, at codon 1136 of the EGFR protein (p.Pro1136Ser). This variant is not present in population databases (gnomAD no frequency). This variant has not been reported in the literature in individuals affected with EGFR-related conditions. An algorithm developed to predict the effect of missense changes on protein structure and function (PolyPhen-2) suggests that this variant is likely to be disruptive. In summary, the available evidence is currently insufficient to determine the role of this variant in disease. Therefore, it has been classified as a Variant of Uncertain Significance.

NM_005228.5(EGFR):c.3406C>T (p.Pro1136Ser)

Gene: EGFR (epidermal growth factor receptor; plus strand). Cytogenetic location: 7p11.2.
Variant type: single nucleotide variant.
Coding change: c.3406C>T on transcript NM_005228.5 (MANE Select); coding-DNA position 3406, C replaced by T.
Protein change: p.Pro1136Ser; replaces proline 1136 with serine.
Molecular consequence: missense variant.
Genome position (GRCh38, 1-based): chr7:55,205,390, C>T. VCF-style: chr7-55205390-C-T. GRCh37 (hg19) VCF-style: chr7-55273083-C-T.
Other names: c.3271C>T, p.Pro1091Ser (NM_001346899.2); c.3247C>T, p.Pro1083Ser (NM_001346900.2); c.2605C>T, p.Pro869Ser (NM_001346941.2); short protein forms P1083S, P869S, P1091S, P1136S.
Identifiers: ClinVar variation 3657711 (VCV003657711.2).